The following is an entry in ClinVar:

ClinVar aggregate classification (germline): Uncertain significance (1 of 4 stars; one submission).

Conditions:
Autosomal dominant limb-girdle muscular dystrophy type 1F (LGMDD2). Also called: Limb-girdle muscular dystrophy, type 1F; MUSCULAR DYSTROPHY, LIMB-GIRDLE, AUTOSOMAL DOMINANT 2. Identifiers: Orphanet 55595, MedGen C1842062, MONDO:0012034, OMIM 608423.

gnomAD v4.1: 1 of 1,614,168 alleles (0.000062%); highest among the groups gnomAD compares: East Asian, 0.0022%; no homozygotes.

Submission:

Labcorp Genetics (formerly Invitae), Labcorp
Classification: Uncertain significance for Autosomal dominant limb-girdle muscular dystrophy type 1F. Last evaluated: 2022-03-22. Review status: criteria provided, single submitter. Criteria: Invitae Variant Classification Sherloc (09022015). Collection method: clinical testing. Allele origin: germline.
Comment: This variant is not present in population databases (gnomAD no frequency). In summary, the available evidence is currently insufficient to determine the role of this variant in disease. Therefore, it has been classified as a Variant of Uncertain Significance. Algorithms developed to predict the effect of missense changes on protein structure and function (SIFT, PolyPhen-2, Align-GVGD) all suggest that this variant is likely to be tolerated. This variant has not been reported in the literature in individuals affected with TNPO3-related conditions. This sequence change replaces cysteine, which is neutral and slightly polar, with arginine, which is basic and polar, at codon 312 of the TNPO3 protein (p.Cys312Arg).

NM_012470.4(TNPO3):c.934T>C (p.Cys312Arg)

Gene: TNPO3 (transportin 3; minus strand). Cytogenetic location: 7q32.1.
Variant type: single nucleotide variant.
Coding change: c.934T>C on transcript NM_012470.4 (MANE Select); coding-DNA position 934, T replaced by C.
Protein change: p.Cys312Arg; replaces cysteine 312 with arginine.
Molecular consequence: missense variant. On other transcripts: non-coding transcript variant (18).
Genome position (GRCh38, 1-based): chr7:129,000,506, A>G on the plus strand (T>C on the coding strand, the complement: TNPO3 is on the minus strand). VCF-style: chr7-129000506-A-G. GRCh37 (hg19) VCF-style: chr7-128640560-A-G.
Other names: c.934T>C, p.Cys312Arg (NM_001191028.3, NM_001382216.1, NM_001382218.1 and 4 more transcripts); c.1015T>C, p.Cys339Arg (NM_001382217.1); c.790T>C, p.Cys264Arg (NM_001382221.1); short protein forms C339R, C312R, C264R.
Identifiers: ClinVar variation 2112979 (VCV002112979.4), dbSNP rs148527094, ClinGen allele CA369238075.